The following is an entry in ClinVar:

NM_015214.3(DDHD2):c.371del (p.Lys124fs)

Gene: DDHD2 (DDHD domain containing 2; plus strand). Cytogenetic location: 8p11.23.
Variant type: Deletion.
Coding change: c.371del on transcript NM_015214.3 (MANE Select); coding-DNA position 371, one base deleted (A; older notation c.371delA).
Protein change: p.Lys124fs; shifts the reading frame from lysine 124.
Molecular consequence: frameshift variant. On other transcripts: non-coding transcript variant (2).
Genome position (GRCh38, 1-based): chr8:38,234,544, A deleted; the last of 2 consecutive A bases (chr8:38,234,543-38,234,544); deleting either gives the same sequence. VCF-style (leftmost placement, unchanged base first): chr8-38234542-TA-T. GRCh37 (hg19) VCF-style: chr8-38092060-TA-T.
Other names: c.371del, p.Lys124fs (NM_001164232.2, NM_001164234.2, NM_001362911.2 and 3 more transcripts); short protein forms K124fs.
Identifiers: ClinVar variation 473074 (VCV000473074.6), dbSNP rs1475369039, ClinGen allele CA581123222.

ClinVar aggregate classification (germline): Pathogenic/Likely pathogenic. Review status: criteria provided, multiple submitters, no conflicts (2 of 4 stars). 2 submissions from 2 submitters: Pathogenic (1); Likely pathogenic (1). Last evaluated 2024-03-25.

Conditions:
Hereditary spastic paraplegia 54. Also called: Spastic paraplegia 54, autosomal recessive. Identifiers: Orphanet 320380, MedGen C3539495, MONDO:0014018, OMIM 615033.

Submissions (2):

Revvity Omics, Revvity
Classification: Likely pathogenic for Hereditary spastic paraplegia 54. Last evaluated: 2024-03-25. Review status: criteria provided, single submitter. Criteria: ACMG Guidelines, 2015. Collection method: clinical testing. Allele origin: germline.

Labcorp Genetics (formerly Invitae), Labcorp
Classification: Pathogenic for Hereditary spastic paraplegia 54. Last evaluated: 2022-06-04. Review status: criteria provided, single submitter. Criteria: Invitae Variant Classification Sherloc (09022015). Collection method: clinical testing. Allele origin: germline.
Comment: For these reasons, this variant has been classified as Pathogenic. ClinVar contains an entry for this variant (Variation ID: 473074). This variant has not been reported in the literature in individuals affected with DDHD2-related conditions. This variant is present in population databases (no rsID available, gnomAD 0.003%). This sequence change creates a premature translational stop signal (p.Lys124Serfs*13) in the DDHD2 gene. It is expected to result in an absent or disrupted protein product. Loss-of-function variants in DDHD2 are known to be pathogenic (PMID: 23176823, 23486545).

Literature cited by the submitters: PubMed 23176823 (cited by Labcorp Genetics (formerly Invitae), Labcorp); PubMed 23486545 (cited by Labcorp Genetics (formerly Invitae), Labcorp).